The following is an entry in ClinVar:

NM_000138.5(FBN1):c.1617del (p.Ile540fs)

Gene: FBN1 (fibrillin 1; minus strand). Cytogenetic location: 15q21.1.
Variant type: Deletion.
Coding change: c.1617del on transcript NM_000138.5 (MANE Select); coding-DNA position 1617, one base deleted (G; older notation c.1617delG).
Protein change: p.Ile540fs; shifts the reading frame from isoleucine 540.
Molecular consequence: frameshift variant.
Genome position (GRCh38, 1-based): chr15:48,510,141, C deleted on the plus strand (G on the coding strand, the reverse complement: FBN1 is on the minus strand); the first of 2 consecutive C bases (chr15:48,510,141-48,510,142); deleting either gives the same sequence. VCF-style (leftmost placement, unchanged base first): chr15-48510140-TC-T. GRCh37 (hg19) VCF-style: chr15-48802337-TC-T.
Other names: short protein forms I540fs.
Identifiers: ClinVar variation 549028 (VCV000549028.2), dbSNP rs1555400066, ClinGen allele CA658824477.

ClinVar aggregate classification (germline): Pathogenic. Review status: criteria provided, single submitter (1 of 4 stars). 2 submissions from 2 submitters: Pathogenic (1). 1 of the submissions does not count toward it. Last evaluated 2025-09-30.

Conditions:
Familial thoracic aortic aneurysm and aortic dissection (TAAD). Also called: Thoracic aortic aneurysms and dissections. Identifiers: Orphanet 91387, MedGen C4707243, MONDO:0019625.
Marfan syndrome (MFS). Also called: Marfan syndrome type 1; Marfan syndrome, classic; Marfan's syndrome; FBN1-Related Marfan Syndrome; MARFAN SYNDROME, TYPE I. Identifiers: Orphanet 284963, Orphanet 558, MedGen C0024796, MONDO:0007947, OMIM 154700.

Submissions (2):

Labcorp Genetics (formerly Invitae), Labcorp
Classification: Pathogenic for Marfan syndrome; Familial thoracic aortic aneurysm and aortic dissection. Last evaluated: 2025-09-30. Review status: criteria provided, single submitter. Criteria: Invitae Variant Classification Sherloc (09022015). Collection method: clinical testing. Allele origin: germline.
Comment: This sequence change creates a premature translational stop signal (p.Ile540Serfs*39) in the FBN1 gene. It is expected to result in an absent or disrupted protein product. Loss-of-function variants in FBN1 are known to be pathogenic (PMID: 17657824, 19293843). This variant is not present in population databases (gnomAD no frequency). This variant has not been reported in the literature in individuals affected with FBN1-related conditions. ClinVar contains an entry for this variant (Variation ID: 549028). For these reasons, this variant has been classified as Pathogenic.

Center for Medical Genetics Ghent, University of Ghent
Classification: Likely pathogenic for Marfan syndrome. Last evaluated: 2017-11-07. Review status: no assertion criteria provided. Collection method: clinical testing. Allele origin: germline. Affected: yes. Not counted in ClinVar's aggregate classification.

Literature cited by the submitters: PubMed 17657824 (cited by Labcorp Genetics (formerly Invitae), Labcorp); PubMed 19293843 (cited by Labcorp Genetics (formerly Invitae), Labcorp).